The following is an entry in ClinVar:

NM_024589.3(ROGDI):c.117+10C>G

Gene: ROGDI (rogdi atypical leucine zipper; minus strand). Cytogenetic location: 16p13.3.
Variant type: single nucleotide variant.
Coding change: c.117+10C>G on transcript NM_024589.3 (MANE Select); 10 bases into the intron after coding-DNA position 117, C replaced by G.
Molecular consequence: intron variant.
Genome position (GRCh38, 1-based): chr16:4,802,372, G>C on the plus strand (C>G on the coding strand, the complement: ROGDI is on the minus strand). VCF-style: chr16-4802372-G-C. GRCh37 (hg19) VCF-style: chr16-4852373-G-C.
Identifiers: ClinVar variation 416245 (VCV000416245.22), dbSNP rs113858060, ClinGen allele CA7883022.
Genomic context (GRCh38, chr16:4,802,372, plus strand): 5'-CCCCAGGTGGAGCCAGGGAAATGAGGAGGGAGGGCCGCCACGCCCGGCGGGGCAGGGCGC[G>C]GGTCGTTACCTTGAGGATGTCCTGCAGCTGCTTCAACACAGCGTGCACCTCGTCGTGCAG-3'

ClinVar aggregate classification (germline): Benign/Likely benign. Review status: criteria provided, multiple submitters, no conflicts (2 of 4 stars). 8 submissions from 8 submitters: Benign (3); Likely benign (3). 2 of the submissions do not count toward it. Last evaluated 2025-12-30.

Conditions:
Amelocerebrohypohidrotic syndrome (KTZS). Also called: Kohlschutter's syndrome; KOHLSCHUTTER SYNDROME; EPILEPSY AND YELLOW TEETH; EPILEPSY, DEMENTIA, AND AMELOGENESIS IMPERFECTA. Identifiers: Orphanet 1946, MedGen C0406740, MONDO:0009185, OMIM 226750.

Allele frequency attached by ClinVar (database versions not stated): 1000 Genomes Project 30x 0.00016; TOPMed 0.00199.

Submissions (8):

Labcorp Genetics (formerly Invitae), Labcorp
Classification: Benign for Amelocerebrohypohidrotic syndrome. Last evaluated: 2025-12-30. Review status: criteria provided, single submitter. Criteria: Invitae Variant Classification Sherloc (09022015). Collection method: clinical testing. Allele origin: germline.

Blueprint Genetics
Classification: Likely benign. Last evaluated: 2024-11-27. Review status: criteria provided, single submitter. Criteria: ACMG Guidelines, 2015. Collection method: clinical testing. Allele origin: germline.

ARUP Laboratories, Molecular Genetics and Genomics, ARUP Laboratories
Classification: Benign for Amelocerebrohypohidrotic syndrome. Last evaluated: 2023-10-17. Review status: criteria provided, single submitter. Criteria: ARUP Molecular Germline Variant Investigation Process 2024. Collection method: clinical testing. Allele origin: germline.

Athena Diagnostics
Classification: Benign. Last evaluated: 2019-05-31. Review status: criteria provided, single submitter. Criteria: Athena Diagnostics Criteria. Collection method: clinical testing. Allele origin: germline.

Illumina Laboratory Services, Illumina
Classification: Likely benign for Kohlschutter syndrome. Last evaluated: 2018-01-13. Review status: criteria provided, single submitter. Criteria: ICSL Variant Classification Criteria 13 December 2019. Collection method: clinical testing. Allele origin: germline.
Comment: This variant was observed in the ICSL laboratory as part of a predisposition screen in an ostensibly healthy population. It had not been previously curated by ICSL or reported in the Human Gene Mutation Database (HGMD: prior to June 1st, 2018), and was therefore a candidate for classification through an automated scoring system. Utilizing variant allele frequency, disease prevalence and penetrance estimates, and inheritance mode, an automated score was calculated to assess if this variant is too frequent to cause the disease. Based on the score and internal cut-off values, a variant classified as likely benign is not then subjected to further curation. The score for this variant resulted in a classification of likely benign for this disease.

Center for Pediatric Genomic Medicine, Children's Mercy Hospital and Clinics
Classification: Likely benign. Last evaluated: 2017-04-20. Review status: criteria provided, single submitter. Criteria: ACMG Guidelines, 2015. Collection method: clinical testing. Allele origin: germline.

Clinical Genetics DNA and cytogenetics Diagnostics Lab, Erasmus MC, Erasmus Medical Center
Classification: Likely benign. Review status: no assertion criteria provided. Collection method: clinical testing. Allele origin: germline. Affected: yes. Study: VKGL Data-share Consensus. Not counted in ClinVar's aggregate classification.

Genome Diagnostics Laboratory, University Medical Center Utrecht
Classification: Likely benign. Review status: no assertion criteria provided. Collection method: clinical testing. Allele origin: germline. Affected: yes. Study: VKGL Data-share Consensus. Not counted in ClinVar's aggregate classification.